The following is an entry in ClinVar:

ClinVar aggregate classification (germline): Uncertain significance (1 of 4 stars; one submission).

Allele frequency attached by ClinVar (database versions not stated): gnomAD exomes 0.00003.
gnomAD v4.1: 40 of 1,610,854 alleles (0.0025%); highest among the groups gnomAD compares: Non-Finnish European, 0.0033%; no homozygotes.

Submission:

Labcorp Genetics (formerly Invitae), Labcorp
Classification: Uncertain significance. Last evaluated: 2022-07-31. Review status: criteria provided, single submitter. Criteria: Invitae Variant Classification Sherloc (09022015). Collection method: clinical testing. Allele origin: germline.
Comment: This sequence change replaces serine, which is neutral and polar, with arginine, which is basic and polar, at codon 848 of the RBP3 protein (p.Ser848Arg). This variant is not present in population databases (gnomAD no frequency). This variant has not been reported in the literature in individuals affected with RBP3-related conditions. ClinVar contains an entry for this variant (Variation ID: 846286). Algorithms developed to predict the effect of missense changes on protein structure and function are either unavailable or do not agree on the potential impact of this missense change (SIFT: "Deleterious"; PolyPhen-2: "Possibly Damaging"; Align-GVGD: "Class C0"). In summary, the available evidence is currently insufficient to determine the role of this variant in disease. Therefore, it has been classified as a Variant of Uncertain Significance.

NM_002900.3(RBP3):c.2544T>A (p.Ser848Arg)

Gene: RBP3 (retinol binding protein 3; plus strand). Cytogenetic location: 10q11.22.
Variant type: single nucleotide variant.
Coding change: c.2544T>A on transcript NM_002900.3 (MANE Select); coding-DNA position 2544, T replaced by A.
Protein change: p.Ser848Arg; replaces serine 848 with arginine.
Molecular consequence: missense variant.
Genome position (GRCh38, 1-based): chr10:47,351,028, T>A. VCF-style: chr10-47351028-T-A. GRCh37 (hg19) VCF-style: chr10-48388334-A-T.
Other names: short protein forms S848R.
Identifiers: ClinVar variation 846286 (VCV000846286.8), dbSNP rs1836963009, ClinGen allele CA376673367.
Genomic context (GRCh38, chr10:47,351,028, plus strand): 5'-GGTCGCCGGCCAGCGCTACGGCTCACACAAGGACCTCTACATCCTGATGAGCCACACCAG[T>A]GGCTCTGCGGCCGAGGCCTTTGCACACACCATGCAGGACCTGCAGCGGGCCACGGTCATT-3'
Protein context (NP_002891.1, residues 838-858): KDLYILMSHT[Ser848Arg]GSAAEAFAHT